The following is an entry in ClinVar:

Conditions:
Long QT syndrome 5 (LQT5). Identifiers: Orphanet 101016, Orphanet 768, MedGen C1867904, MONDO:0013372, OMIM 613695.

Submission:

Roden Lab, Vanderbilt University Medical Center
No classification provided (evidence only). Condition: Long QT syndrome 5. Review status: no classification provided. Collection method: in vitro. Allele origin: not applicable. Functional consequence: Effect on ion channel function.
ClinVar note: "not provided" was previously submitted as the classification for the variant. However, the classification appeared to be based only on an observation of functional data so it was converted to no classification on 2025-07-30.

NM_000219.6(KCNE1):c.84G>T (p.Ser28=)

Gene: KCNE1 (potassium voltage-gated channel subfamily E regulatory subunit 1; minus strand). Cytogenetic location: 21q22.12.
Variant type: single nucleotide variant.
Coding change: c.84G>T on transcript NM_000219.6 (MANE Select); coding-DNA position 84, G replaced by T.
Protein change: p.Ser28=; no amino-acid change (serine 28 retained).
Molecular consequence: synonymous variant.
Genome position (GRCh38, 1-based): chr21:34,449,551, C>A on the plus strand (G>T on the coding strand, the complement: KCNE1 is on the minus strand). VCF-style: chr21-34449551-C-A. GRCh37 (hg19) VCF-style: chr21-35821849-C-A.
Other names: c.84G>T, p.Ser28= (NM_001127668.4, NM_001127669.4, NM_001127670.4 and 4 more transcripts).
Identifiers: ClinVar variation 3374004 (VCV003374004.2).